The following is an entry in ClinVar:

ClinVar aggregate classification (germline): Likely pathogenic. Review status: reviewed by expert panel (3 of 4 stars). 5 submissions from 5 submitters: Likely pathogenic (1). 4 of the submissions do not count toward it. Last evaluated 2026-07-15.

Conditions:
Breast and/or ovarian cancer. Identifiers: MedGen CN221562.
Hereditary cancer-predisposing syndrome. Also called: Tumor predisposition; Neoplastic Syndromes, Hereditary; Hereditary Cancer Syndrome; Hereditary neoplastic syndrome. Identifiers: Orphanet 140162, MedGen C0027672, MeSH D009386, MONDO:0015356.
BRCA2-related cancer predisposition. Identifiers: MedGen CN377758, MONDO:0700269.
Hereditary breast ovarian cancer syndrome. Also called: Hereditary breast and/or ovarian cancer syndrome; Hereditary breast and ovarian cancer; Hereditary breast and ovarian cancer syndrome (HBOC); Hereditary breast and ovarian cancer syndrome; Breast and ovarian cancer; BRCA1- and BRCA2-Associated Hereditary Breast and Ovarian Cancer. Identifiers: Orphanet 145, MedGen C0677776, MeSH D061325, MONDO:0003582. Disease mechanism: loss of function.

Submissions (5):

ClinGen ENIGMA BRCA1 and BRCA2 Variant Curation Expert Panel, ClinGen
Classification: Likely pathogenic for BRCA2-related cancer predisposition. Last evaluated: 2026-07-15. Review status: reviewed by expert panel. Criteria: CSpec BRCA1/2ACMG Rules Specifications V1.2. Collection method: curation. Allele origin: germline. Inheritance: Autosomal dominant inheritance.
Comment: The c.7868A>T variant in BRCA2 is a missense variant predicted to cause substitution of Histidine by Leucine at amino acid 2623 (p.(His2623Leu)). This variant is absent from gnomAD v4.1 (read depth ≥25x in >90% samples, PM2_Supporting met). This BRCA2 missense variant has a SpliceAI score of 0.27, predicting an impact on splicing (score threshold ≥0.2). The computational predictor BayesDel (noAF) gives a score of 0.45, above the recommended threshold of 0.30 for prediction of impact on BRCA2 function via protein change (PP3 met). Missense variant predicted to alter splicing, functional data considered only from assays that measure effect via mRNA and protein. Reported by 2 calibrated studies incorporating mRNA splicing effects to exhibit function similar to pathogenic control variants (PMIDs: 39779857, 39779848) (PS3 met). In summary, this variant meets the criteria to be classified as a Likely pathogenic variant for BRCA2-related cancer predisposition based on the ACMG/AMP criteria applied as specified by the ENIGMA BRCA1/2 VCEP (v1.2) (PM2_Supporting, PP3, PS3).

Color Diagnostics, LLC DBA Color Health
Classification: Uncertain significance for Hereditary cancer-predisposing syndrome. Last evaluated: 2025-05-13. Review status: criteria provided, single submitter. Criteria: ACMG Guidelines, 2015. Collection method: clinical testing. Allele origin: germline. Not counted in ClinVar's aggregate classification.
Comment: This missense variant replaces histidine with leucine at codon 2623 of the BRCA2 protein. Computational prediction suggests that this variant may have deleterious impact on protein structure and function. To our knowledge, functional studies have not been reported for this variant. This variant has not been reported in individuals affected with hereditary cancer in the literature. This variant has not been identified in the general population by the Genome Aggregation Database (gnomAD). A different missense variant occurring at the same codon, p.His2623Arg, is reported to be disease-causing (ClinVar variation ID: 38123), indicating that histidine at this position is important for BRCA2 protein function. Due to the limited clinical evidence, the role of this variant in disease cannot be determined conclusively. Therefore, this variant is classified as a Variant of Uncertain Significance.

Ambry Genetics
Classification: Likely pathogenic for Hereditary cancer-predisposing syndrome. Last evaluated: 2025-02-27. Review status: criteria provided, single submitter. Criteria: Ambry Variant Classification Scheme 2023. Collection method: clinical testing. Allele origin: germline. Not counted in ClinVar's aggregate classification.
Comment: The p.H2623L variant (also known as c.7868A>T), located in coding exon 16 of the BRCA2 gene, results from an A to T substitution at nucleotide position 7868. The histidine at codon 2623 is replaced by leucine, an amino acid with similar properties. Other variant(s) at the same codon, p.H2623R (c.7868A>G), p.H2623Y (c.7867C>T), have been shown to be non-functional in homology-directed DNA repair (HDR) assays, structurally deleterious, and at least one segregated with disease in multiple families (Guidugli L et al. Am. J. Hum. Genet. 2018 02;102:233-248; Hart SN et al. Genet. Med. 2019 01;21:71-80; Yang H et al. Science. 2002 Sep;297:1837-48; Ambry internal data). This variant is considered to be rare based on population cohorts in the Genome Aggregation Database (gnomAD). This amino acid position is highly conserved in available vertebrate species. In addition, this alteration is predicted to be deleterious by in silico analysis. Based on the majority of available evidence to date, this variant is likely to be pathogenic.

CHEO Genetics Diagnostic Laboratory, Children's Hospital of Eastern Ontario
Classification: Uncertain significance for Breast and/or ovarian cancer. Last evaluated: 2023-04-04. Review status: criteria provided, single submitter. Criteria: ACMG Guidelines, 2015. Collection method: clinical testing. Allele origin: germline. Not counted in ClinVar's aggregate classification.

Labcorp Genetics (formerly Invitae), Labcorp
Classification: Likely pathogenic for Hereditary breast ovarian cancer syndrome. Last evaluated: 2021-11-02. Review status: criteria provided, single submitter. Criteria: Invitae Variant Classification Sherloc (09022015). Collection method: clinical testing. Allele origin: germline. Not counted in ClinVar's aggregate classification.
Comment: This sequence change replaces histidine, which is basic and polar, with leucine, which is neutral and non-polar, at codon 2623 of the BRCA2 protein (p.His2623Leu). This variant is not present in population databases (gnomAD no frequency). This variant has not been reported in the literature in individuals affected with BRCA2-related conditions. ClinVar contains an entry for this variant (Variation ID: 922959). Advanced modeling of protein sequence and biophysical properties (such as structural, functional, and spatial information, amino acid conservation, physicochemical variation, residue mobility, and thermodynamic stability) performed at Invitae indicates that this missense variant is expected to disrupt BRCA2 protein function. This variant disrupts the His2623 amino acid residue in BRCA2. Other variant(s) that disrupt this residue have been determined to be pathogenic (PMID: 26023681, 29394989, 31409081, 32444794, 33609447; Invitae; external communication). This suggests that this residue is clinically significant, and that variants that disrupt this residue are likely to be disease-causing. In summary, the currently available evidence indicates that the variant is pathogenic, but additional data are needed to prove that conclusively. Therefore, this variant has been classified as Likely Pathogenic.

Literature cited by the submitters: PubMed 26023681 (cited by Labcorp Genetics (formerly Invitae), Labcorp); PubMed 29394989 (cited by Labcorp Genetics (formerly Invitae), Labcorp); PubMed 31409081 (cited by Labcorp Genetics (formerly Invitae), Labcorp); PubMed 32444794 (cited by Labcorp Genetics (formerly Invitae), Labcorp); PubMed 33609447 (cited by Labcorp Genetics (formerly Invitae), Labcorp).

NM_000059.4(BRCA2):c.7868A>T (p.His2623Leu)

Gene: BRCA2 (BRCA2 DNA repair associated; plus strand). Cytogenetic location: 13q13.1.
Variant type: single nucleotide variant.
Coding change: c.7868A>T on transcript NM_000059.4 (MANE Select); coding-DNA position 7868, A replaced by T.
Protein change: p.His2623Leu; replaces histidine 2623 with leucine.
Molecular consequence: missense variant.
Genome position (GRCh38, 1-based): chr13:32,362,585, A>T. VCF-style: chr13-32362585-A-T. GRCh37 (hg19) VCF-style: chr13-32936722-A-T.
Other names: NM_000059.4(BRCA2):c.7868A>T; p.His2623Leu; short protein forms H2623L.
Identifiers: ClinVar variation 922959 (VCV000922959.15), dbSNP rs80359012, ClinGen allele CA387747085.
Genomic context (GRCh38, chr13:32,362,585, plus strand): 5'-CTCTGTGTGACACTCCAGGTGTGGATCCAAAGCTTATTTCTAGAATTTGGGTTTATAATC[A>T]CTATAGATGGATCATATGGAAACTGGCAGCTATGGAATGTGCCTTTCCTAAGGAATTTGC-3'
Protein context (NP_000050.3, residues 2613-2633): KLISRIWVYN[His2623Leu]YRWIIWKLAA